The following is an entry in ClinVar:

NM_001001331.4(ATP2B2):c.610C>G (p.Pro204Ala)

Gene: ATP2B2 (ATPase plasma membrane Ca2+ transporting 2; minus strand). Cytogenetic location: 3p25.3.
Variant type: single nucleotide variant.
Coding change: c.610C>G on transcript NM_001001331.4 (MANE Select); coding-DNA position 610, C replaced by G.
Protein change: p.Pro204Ala; replaces proline 204 with alanine.
Molecular consequence: missense variant.
Genome position (GRCh38, 1-based): chr3:10,402,136, G>C on the plus strand (C>G on the coding strand, the complement: ATP2B2 is on the minus strand). VCF-style: chr3-10402136-G-C. GRCh37 (hg19) VCF-style: chr3-10443820-G-C.
Other names: c.610C>G, p.Pro204Ala (NM_001330611.3, NM_001353564.1, NM_001363862.1 and 1 more transcripts); short protein forms P204A.
Identifiers: ClinVar variation 1698050 (VCV001698050.2), dbSNP rs2124971330, ClinGen allele CA351775385.

ClinVar aggregate classification (germline): Uncertain significance (1 of 4 stars; one submission).

Submission:

GeneDx
Classification: Uncertain significance. Last evaluated: 2022-01-06. Review status: criteria provided, single submitter. Criteria: GeneDx Variant Classification Process June 2021. Collection method: clinical testing. Allele origin: germline. Affected: yes.
Comment: Not observed at significant frequency in large population cohorts (gnomAD); In silico analysis supports that this missense variant has a deleterious effect on protein structure/function; Has not been previously published as pathogenic or benign to our knowledge